The following is an entry in ClinVar:

NM_001164665.2(KIAA1549):c.3377C>T (p.Ser1126Leu)

Gene: KIAA1549 (KIAA1549; minus strand). Cytogenetic location: 7q34.
Variant type: single nucleotide variant.
Coding change: c.3377C>T on transcript NM_001164665.2 (MANE Select); coding-DNA position 3377, C replaced by T.
Protein change: p.Ser1126Leu; replaces serine 1126 with leucine.
Molecular consequence: missense variant.
Genome position (GRCh38, 1-based): chr7:138,907,002, G>A on the plus strand (C>T on the coding strand, the complement: KIAA1549 is on the minus strand). VCF-style: chr7-138907002-G-A. GRCh37 (hg19) VCF-style: chr7-138591748-G-A.
Other names: c.3377C>T, p.Ser1126Leu (NM_020910.3); short protein forms S1126L.
Identifiers: ClinVar variation 1042527 (VCV001042527.7), dbSNP rs199547264, ClinGen allele CA4506228.
Genomic context (GRCh38, chr7:138,907,002, plus strand): 5'-TATCCCAGATAGAAACTGAACTCCACCACACTCAAGTTTCTGAGCAGCTCGCTCACTTCC[G>A]ACCCATTCAAAAATCCCTGTGTGCTTTTAACCGCAAAGATGATATTCACCGGGCCCCGCC-3'
Protein context (NP_001158137.1, residues 1116-1136): VKSTQGFLNG[Ser1126Leu]EVSELLRNLS

ClinVar aggregate classification (germline): Uncertain significance. Review status: criteria provided, multiple submitters, no conflicts (2 of 4 stars). 2 submissions from 2 submitters: Uncertain significance (2). Last evaluated 2023-11-16.

Allele frequency attached by ClinVar (database versions not stated): gnomAD exomes 0.00003 and 0.00005; ExAC 0.00006; gnomAD 0.00009; TOPMed 0.00009; ESP Exome Variant Server 0.00033.
gnomAD v4.1: 56 of 1,613,510 alleles (0.0035%); highest among the groups gnomAD compares: African/African-American, 0.021%; 2 homozygotes.

Submissions (2):

Blueprint Genetics
Classification: Uncertain significance. Last evaluated: 2023-11-16. Review status: criteria provided, single submitter. Criteria: ACMG Guidelines, 2015. Collection method: clinical testing. Allele origin: germline.

Labcorp Genetics (formerly Invitae), Labcorp
Classification: Uncertain significance. Last evaluated: 2022-09-19. Review status: criteria provided, single submitter. Criteria: Invitae Variant Classification Sherloc (09022015). Collection method: clinical testing. Allele origin: germline.
Comment: This sequence change replaces serine, which is neutral and polar, with leucine, which is neutral and non-polar, at codon 1126 of the KIAA1549 protein (p.Ser1126Leu). This variant is present in population databases (rs199547264, gnomAD 0.03%). This variant has not been reported in the literature in individuals affected with KIAA1549-related conditions. ClinVar contains an entry for this variant (Variation ID: 1042527). Algorithms developed to predict the effect of missense changes on protein structure and function (SIFT, PolyPhen-2, Align-GVGD) all suggest that this variant is likely to be disruptive. In summary, the available evidence is currently insufficient to determine the role of this variant in disease. Therefore, it has been classified as a Variant of Uncertain Significance.